The following is an entry in ClinVar:

ClinVar aggregate classification (germline): Uncertain significance (1 of 4 stars; one submission).

Submission:

GeneDx
Classification: Uncertain significance. Last evaluated: 2025-01-10. Review status: criteria provided, single submitter. Criteria: GeneDx Variant Classification Process June 2021. Collection method: clinical testing. Allele origin: germline. Affected: yes.
Comment: Not observed at significant frequency in large population cohorts (gnomAD); In silico analysis supports that this missense variant has a deleterious effect on protein structure/function; Has not been previously published as pathogenic or benign to our knowledge

NM_024496.4(IRF2BPL):c.1974C>G (p.Ser658Arg)

Gene: IRF2BPL (interferon regulatory factor 2 binding protein like; minus strand). Cytogenetic location: 14q24.3.
Variant type: single nucleotide variant.
Coding change: c.1974C>G on transcript NM_024496.4 (MANE Select); coding-DNA position 1974, C replaced by G.
Protein change: p.Ser658Arg; replaces serine 658 with arginine.
Molecular consequence: missense variant.
Genome position (GRCh38, 1-based): chr14:77,025,819, G>C on the plus strand (C>G on the coding strand, the complement: IRF2BPL is on the minus strand). VCF-style: chr14-77025819-G-C. GRCh37 (hg19) VCF-style: chr14-77492162-G-C.
Other names: short protein forms S658R.
Identifiers: ClinVar variation 4057011 (VCV004057011.1).